The following is an entry in ClinVar:

ClinVar aggregate classification (germline): Uncertain significance. Review status: criteria provided, multiple submitters, no conflicts (2 of 4 stars). 2 submissions from 2 submitters: Uncertain significance (2). Last evaluated 2025-07-16.

gnomAD v4.1: 2 of 1,613,862 alleles (0.00012%); highest among the groups gnomAD compares: African/African-American, 0.0027%; no homozygotes.

Submissions (2):

Women's Health and Genetics/Laboratory Corporation of America, LabCorp
Classification: Uncertain significance. Last evaluated: 2025-07-16. Review status: criteria provided, single submitter. Criteria: LabCorp Variant Classification Summary - May 2015. Collection method: clinical testing. Allele origin: germline.
Comment: Variant summary: TWNK c.838A>T (p.Thr280Ser) results in a conservative amino acid change in the encoded protein sequence. Algorithms developed to predict the effect of missense changes on protein structure and function all suggest that this variant is likely to be tolerated. The variant was absent in 251350 control chromosomes. The available data on variant occurrences in the general population are insufficient to allow any conclusion about variant significance. To our knowledge, no occurrence of c.838A>T in individuals affected with Infantile Onset Spinocerebellar Ataxia and no experimental evidence demonstrating its impact on protein function have been reported. ClinVar contains an entry for this variant (Variation ID: 2071094). Based on the evidence outlined above, the variant was classified as uncertain significance.

Labcorp Genetics (formerly Invitae), Labcorp
Classification: Uncertain significance. Last evaluated: 2022-03-18. Review status: criteria provided, single submitter. Criteria: Invitae Variant Classification Sherloc (09022015). Collection method: clinical testing. Allele origin: germline.
Comment: This sequence change replaces threonine, which is neutral and polar, with serine, which is neutral and polar, at codon 280 of the TWNK protein (p.Thr280Ser). This variant is not present in population databases (gnomAD no frequency). This variant has not been reported in the literature in individuals affected with TWNK-related conditions. Advanced modeling of protein sequence and biophysical properties (such as structural, functional, and spatial information, amino acid conservation, physicochemical variation, residue mobility, and thermodynamic stability) performed at Invitae indicates that this missense variant is not expected to disrupt TWNK protein function. In summary, the available evidence is currently insufficient to determine the role of this variant in disease. Therefore, it has been classified as a Variant of Uncertain Significance.

NM_021830.5(TWNK):c.838A>T (p.Thr280Ser)

Gene: TWNK (twinkle mtDNA helicase; plus strand). Cytogenetic location: 10q24.31.
Variant type: single nucleotide variant.
Coding change: c.838A>T on transcript NM_021830.5 (MANE Select); coding-DNA position 838, A replaced by T.
Protein change: p.Thr280Ser; replaces threonine 280 with serine.
Molecular consequence: missense variant. On other transcripts: non-coding transcript variant (4), intron variant (3).
Genome position (GRCh38, 1-based): chr10:100,989,048, A>T. VCF-style: chr10-100989048-A-T. GRCh37 (hg19) VCF-style: chr10-102748805-A-T.
Other names: c.838A>T, p.Thr280Ser (NM_001163812.2); c.-119-596A>T (NM_001163814.2, NM_001163813.2); c.-57-658A>T (NM_001368275.1); short protein forms T280S.
Identifiers: ClinVar variation 2071094 (VCV002071094.5), dbSNP rs1851681785, ClinGen allele CA378208676.
Genomic context (GRCh38, chr10:100,989,048, plus strand): 5'-GTGGTACTGACGAGTCGTGAGCTTGACAGCCTGGCCTTGAACCAGTCCACGGGGCTGCCT[A>T]CCCTTACTCTACCCCGAGGAACGACCTGCTTACCCCCTGCCTTACTCCCTTACCTGGAAC-3'
Protein context (NP_068602.2, residues 270-290): LALNQSTGLP[Thr280Ser]LTLPRGTTCL